The following is an entry in ClinVar:

ClinVar aggregate classification (germline): Uncertain significance (1 of 4 stars; one submission).

Submission:

Ambry Genetics
Classification: Uncertain significance. Last evaluated: 2024-10-09. Review status: criteria provided, single submitter. Criteria: Ambry Variant Classification Scheme 2023. Collection method: clinical testing. Allele origin: germline.
Comment: The p.I268T variant (also known as c.803T>C), located in coding exon 1 of the MLH3 gene, results from a T to C substitution at nucleotide position 803. The isoleucine at codon 268 is replaced by threonine, an amino acid with similar properties. This amino acid position is well conserved in available vertebrate species. In addition, this alteration is predicted to be deleterious by in silico analysis. The evidence for this gene-disease relationship is limited; therefore, the clinical significance of this alteration is unclear.

NM_001040108.2(MLH3):c.803T>C (p.Ile268Thr)

Gene: MLH3 (mutL homolog 3; minus strand). Cytogenetic location: 14q24.3.
Variant type: single nucleotide variant.
Coding change: c.803T>C on transcript NM_001040108.2 (MANE Select); coding-DNA position 803, T replaced by C.
Protein change: p.Ile268Thr; replaces isoleucine 268 with threonine.
Molecular consequence: missense variant.
Genome position (GRCh38, 1-based): chr14:75,048,853, A>G on the plus strand (T>C on the coding strand, the complement: MLH3 is on the minus strand). VCF-style: chr14-75048853-A-G. GRCh37 (hg19) VCF-style: chr14-75515556-A-G.
Other names: c.803T>C, p.Ile268Thr (NM_014381.3); short protein forms I268T.
Identifiers: ClinVar variation 3396636 (VCV003396636.1).
Genomic context (GRCh38, chr14:75,048,853, plus strand): 5'-CTACTGGTGGGACCATTCTTTGGCTTGCATATAATACTTTCTTTCCTTAATAAAAAGTCA[A>G]TGAGTTTATGTAGCTTTGTCCTTAAAACTAGTCTTTTGTTCACAAACAAAAACTGCATAT-3'
Protein context (NP_001035197.1, residues 258-278): LVLRTKLHKL[Ile268Thr]DFLLRKESII